The following is an entry in ClinVar:

ClinVar aggregate classification (germline): Pathogenic (1 of 4 stars; one submission).

Submission:

Labcorp Genetics (formerly Invitae), Labcorp
Classification: Pathogenic. Last evaluated: 2024-01-02. Review status: criteria provided, single submitter. Criteria: Invitae Variant Classification Sherloc (09022015). Collection method: clinical testing. Allele origin: germline.
Comment: This sequence change creates a premature translational stop signal (p.Gly37Glufs*7) in the PCDH15 gene. It is expected to result in an absent or disrupted protein product. Loss-of-function variants in PCDH15 are known to be pathogenic (PMID: 11398101, 11487575, 14570705). This variant is not present in population databases (gnomAD no frequency). This variant has not been reported in the literature in individuals affected with PCDH15-related conditions. For these reasons, this variant has been classified as Pathogenic.

Literature cited by the submitters: PubMed 11398101; PubMed 11487575; PubMed 14570705.

NM_001384140.1(PCDH15):c.110del (p.Gly37fs)

Genes: PCDH15 (protocadherin related 15; minus strand), LOC105378311 (uncharacterized LOC105378311; plus strand). Cytogenetic location: 10q21.1.
Variant type: Deletion.
Coding change: c.110del on transcript NM_001384140.1 (MANE Select); coding-DNA position 110, one base deleted (G; older notation c.110delG).
Protein change: p.Gly37fs; shifts the reading frame from glycine 37.
Molecular consequence: frameshift variant. On other transcripts: intron variant (3).
Genome position (GRCh38, 1-based): chr10:54,527,859, C deleted on the plus strand (G on the coding strand, the reverse complement: PCDH15 is on the minus strand); the first of 4 consecutive C bases (chr10:54,527,859-54,527,862); deleting any one gives the same sequence. VCF-style (leftmost placement, unchanged base first): chr10-54527858-TC-T. GRCh37 (hg19) VCF-style: chr10-56287618-TC-T.
Other names: c.125del, p.Gly42fs (NM_001142763.2, NM_001142771.2); c.110del, p.Gly37fs (NM_001142764.2, NM_001142765.2, NM_001142766.2 and 8 more transcripts); c.122delG, p.Gly42Glufs (NM_001142769.4); c.91+136313del (NM_001354404.2, NM_001142773.2, NM_001142768.2); short protein forms G37fs, G42fs.
Identifiers: ClinVar variation 2707043 (VCV002707043.3), dbSNP rs2548745030, ClinGen allele CA2697558356.